The following is an entry in ClinVar:

ClinVar aggregate classification (germline): Uncertain significance (1 of 4 stars; one submission).

Conditions:
Rubinstein-Taybi syndrome due to CREBBP mutations (RSTS1). Also called: BROAD THUMBS AND GREAT TOES, CHARACTERISTIC FACIES, AND IMPAIRED INTELLECTUAL DEVELOPMENT; BROAD THUMB-HALLUX SYNDROME; Rubinstein-Taybi syndrome 1; CREBBP-Related Rubinstein-Taybi Syndrome; RUBINSTEIN SYNDROME; RUBINSTEIN-TAYBI SYNDROME 1, INCOMPLETE. Identifiers: Orphanet 353277, Orphanet 783, MedGen C4551859, MONDO:0008393, OMIM 180849.

gnomAD v4.1: 1 of 1,613,582 alleles (0.000062%); highest among the groups gnomAD compares: Admixed American, 0.0017%; no homozygotes.

Submission:

Centre for Mendelian Genomics, University Medical Centre Ljubljana
Classification: Uncertain significance for Rubinstein-Taybi syndrome due to CREBBP mutations. Last evaluated: 2016-01-01. Review status: criteria provided, single submitter. Criteria: ACMG Guidelines, 2015. Collection method: clinical testing. Allele origin: unknown. Affected: yes.
Comment: This variant was classified as: Uncertain significance.

NM_004380.3(CREBBP):c.2505G>A (p.Met835Ile)

Gene: CREBBP (CREB binding lysine acetyltransferase; minus strand). Cytogenetic location: 16p13.3.
Variant type: single nucleotide variant.
Coding change: c.2505G>A on transcript NM_004380.3 (MANE Select); coding-DNA position 2505, G replaced by A.
Protein change: p.Met835Ile; replaces methionine 835 with isoleucine.
Molecular consequence: missense variant.
Genome position (GRCh38, 1-based): chr16:3,770,945, C>T on the plus strand (G>A on the coding strand, the complement: CREBBP is on the minus strand). VCF-style: chr16-3770945-C-T. GRCh37 (hg19) VCF-style: chr16-3820946-C-T.
Other names: c.2391G>A, p.Met797Ile (NM_001079846.1); short protein forms M835I, M797I.
Identifiers: ClinVar variation 932109 (VCV000932109.3), dbSNP rs759041100, ClinGen allele CA394551882.
Genomic context (GRCh38, chr16:3,770,945, plus strand): 5'-TGGGTGCAGTGGTGACTGTGTCACTGGAGGGCAAGGTAGCTGGCTGGCCTGAGGCCCCAG[C>T]ATGTTGAGAGGGTTAGGAAGAGCAGCACCAGGCACCTGTCCCTACCAGAAATGGACAGAG-3'
Protein context (NP_004371.2, residues 825-845): PGAALPNPLN[Met835Ile]LGPQASQLPC